The following is an entry in ClinVar:

NM_006662.3(SRCAP):c.8156CTC[1] (p.Pro2720del)

Gene: SRCAP (Snf2 related CREBBP activator protein; plus strand). Cytogenetic location: 16p11.2.
Variant type: Microsatellite.
Coding change: c.8156CTC[1] on transcript NM_006662.3 (MANE Select); one copy of the 3-base unit CTC starting at c.8156; the reference has two copies in a row; one copy, 3 bases deleted.
Protein change: p.Pro2720del; deletes proline 2720.
Molecular consequence: inframe deletion.
Genome position (GRCh38, 1-based): chr16:30,738,199-30,738,201, CTC deleted; deleting any 3 consecutive bases within chr16:30,738,195-30,738,201 gives the same sequence; the position shown is the placement nearest the transcript's 3' end. VCF-style (leftmost placement, unchanged base first): chr16-30738194-ACCT-A. GRCh37 (hg19) VCF-style: chr16-30749515-ACCT-A.
Other names: short protein forms P2720del.
Identifiers: ClinVar variation 2996933 (VCV002996933.3), dbSNP rs778387301, ClinGen allele CA8012627.

ClinVar aggregate classification (germline): Uncertain significance (1 of 4 stars; one submission).

Submission:

Labcorp Genetics (formerly Invitae), Labcorp
Classification: Uncertain significance. Last evaluated: 2023-04-06. Review status: criteria provided, single submitter. Criteria: Invitae Variant Classification Sherloc (09022015). Collection method: clinical testing. Allele origin: germline.
Comment: This variant, c.8159_8161del, results in the deletion of 1 amino acid(s) of the SRCAP protein (p.Pro2720del), but otherwise preserves the integrity of the reading frame. This variant is present in population databases (rs778387301, gnomAD 0.02%). This variant has not been reported in the literature in individuals affected with SRCAP-related conditions. Experimental studies and prediction algorithms are not available or were not evaluated, and the functional significance of this variant is currently unknown. In summary, the available evidence is currently insufficient to determine the role of this variant in disease. Therefore, it has been classified as a Variant of Uncertain Significance.